The following is an entry in ClinVar:

ClinVar aggregate classification (germline): Likely pathogenic (1 of 4 stars; one submission).

Conditions:
Cystinuria (CSNU). Also called: CYSTINURIA, TYPE I; CYSTINURIA, TYPE II; CYSTINURIA, TYPE III; Cystinuria, non-type I. Identifiers: Orphanet 214, MedGen C0010691, MONDO:0009067, OMIM 220100, HP:0003131.

Submission:

Labcorp Genetics (formerly Invitae), Labcorp
Classification: Likely pathogenic for Cystinuria. Last evaluated: 2022-10-06. Review status: criteria provided, single submitter. Criteria: Invitae Variant Classification Sherloc (09022015). Collection method: clinical testing. Allele origin: germline.
Comment: This variant results in a copy number gain of the genomic region encompassing exon(s) 3 of the SLC3A1 gene. While the exact position of this variant cannot be determined from the data, sub-genic copy number gains are generally in tandem (PMID: 25640679). This variant is predicted to be out-of-frame, and may result in an absent or disrupted protein product. Loss-of-function variants in SLC3A1 are known to be pathogenic (PMID: 24610330, 25109415, 25964309). This variant has not been reported in the literature in individuals affected with SLC3A1-related conditions. In summary, the currently available evidence indicates that the variant is pathogenic, but additional data are needed to prove that conclusively. Therefore, this variant has been classified as Likely Pathogenic.

Literature cited by the submitters: PubMed 25640679; PubMed 24610330; PubMed 25109415; PubMed 25964309.

NC_000002.11:g.(?_44508506)_(44508700_?)dup

Gene: SLC3A1 (solute carrier family 3 member 1; plus strand). Cytogenetic location: 2p21.
Variant type: Duplication.
Identifiers: ClinVar variation 2422934 (VCV002422934.3).